The following is an entry in ClinVar:

NM_021096.4(CACNA1I):c.5395-1G>T

Gene: CACNA1I (calcium voltage-gated channel subunit alpha1 I; plus strand). Cytogenetic location: 22q13.1.
Variant type: single nucleotide variant.
Coding change: c.5395-1G>T on transcript NM_021096.4 (MANE Select); the canonical splice acceptor site of the intron before coding-DNA position 5395, G replaced by T.
Molecular consequence: splice acceptor variant.
Genome position (GRCh38, 1-based): chr22:39,679,721, G>T. VCF-style: chr22-39679721-G-T. GRCh37 (hg19) VCF-style: chr22-40075726-G-T.
Other names: c.5290-1G>T (NM_001003406.2).
Identifiers: ClinVar variation 1708762 (VCV001708762.2), dbSNP rs2518200326, ClinGen allele CA411636670.

ClinVar aggregate classification (germline): Uncertain significance (1 of 4 stars; one submission).

Submission:

GeneDx
Classification: Uncertain significance. Last evaluated: 2022-04-08. Review status: criteria provided, single submitter. Criteria: GeneDx Variant Classification Process June 2021. Collection method: clinical testing. Allele origin: germline. Affected: yes.
Comment: Not observed at significant frequency in large population cohorts (gnomAD); Canonical splice site variant in a gene or region of a gene for which loss of function is not a well-established mechanism of disease; Has not been previously published as pathogenic or benign to our knowledge